The following is an entry in ClinVar:

NM_004946.3(DOCK2):c.1075T>C (p.Phe359Leu)

Gene: DOCK2 (dedicator of cytokinesis 2; plus strand). Cytogenetic location: 5q35.1.
Variant type: single nucleotide variant.
Coding change: c.1075T>C on transcript NM_004946.3 (MANE Select); coding-DNA position 1075, T replaced by C.
Protein change: p.Phe359Leu; replaces phenylalanine 359 with leucine.
Molecular consequence: missense variant. On other transcripts: non-coding transcript variant (1).
Genome position (GRCh38, 1-based): chr5:169,699,401, T>C. VCF-style: chr5-169699401-T-C. GRCh37 (hg19) VCF-style: chr5-169126405-T-C.
Other names: short protein forms F359L.
Identifiers: ClinVar variation 1007320 (VCV001007320.7), dbSNP rs1760824678, ClinGen allele CA362105501.

ClinVar aggregate classification (germline): Uncertain significance (1 of 4 stars; one submission).

Conditions:
DOCK2 deficiency. Also called: Immunodeficiency 40. Identifiers: Orphanet 447737, MedGen C4225328, MONDO:0014637, OMIM 616433.

Allele frequency attached by ClinVar (database versions not stated): gnomAD exomes below 0.00001.

Submission:

Labcorp Genetics (formerly Invitae), Labcorp
Classification: Uncertain significance for DOCK2 deficiency. Last evaluated: 2024-10-21. Review status: criteria provided, single submitter. Criteria: Invitae Variant Classification Sherloc (09022015). Collection method: clinical testing. Allele origin: germline.
Comment: This sequence change replaces phenylalanine, which is neutral and non-polar, with leucine, which is neutral and non-polar, at codon 359 of the DOCK2 protein (p.Phe359Leu). This variant is not present in population databases (gnomAD no frequency). This variant has not been reported in the literature in individuals affected with DOCK2-related conditions. ClinVar contains an entry for this variant (Variation ID: 1007320). An algorithm developed to predict the effect of missense changes on protein structure and function (PolyPhen-2) suggests that this variant¬†is likely to be tolerated. In summary, the available evidence is currently insufficient to determine the role of this variant in disease. Therefore, it has been classified as a Variant of Uncertain Significance.